The following is an entry in ClinVar:

ClinVar aggregate classification (germline): Likely pathogenic (1 of 4 stars; one submission).

Conditions:
Citrin deficiency. Identifiers: Orphanet 247582, MedGen C1997910, MONDO:0016602.

Submission:

Labcorp Genetics (formerly Invitae), Labcorp
Classification: Likely pathogenic for Citrin deficiency. Last evaluated: 2022-09-16. Review status: criteria provided, single submitter. Criteria: Invitae Variant Classification Sherloc (09022015). Collection method: clinical testing. Allele origin: unknown.
Comment: In summary, the currently available evidence indicates that the variant is pathogenic, but additional data are needed to prove that conclusively. Therefore, this variant has been classified as Likely Pathogenic. This variant has not been reported in the literature in individuals affected with SLC25A13-related conditions. This variant results in a copy number gain of the genomic region encompassing exon(s) 3 of the SLC25A13 gene. While the exact position of this variant cannot be determined from the data, sub-genic copy number gains are generally in tandem (PMID: 25640679). This variant is predicted to be out-of-frame, and may result in an absent or disrupted protein product. Loss-of-function variants in SLC25A13 are known to be pathogenic (PMID: 10369257, 14680984, 27405544).

Literature cited by the submitters: PubMed 25640679; PubMed 10369257; PubMed 14680984; PubMed 27405544.

NC_000007.13:g.(?_95906488)_(95906670_?)dup

Gene: SLC25A13 (solute carrier family 25 member 13; minus strand). Cytogenetic location: 7q21.3.
Variant type: Duplication.
Identifiers: ClinVar variation 3245773 (VCV003245773.1).